The following is an entry in ClinVar:

ClinVar aggregate classification (germline): Uncertain significance (1 of 4 stars; one submission).

gnomAD v4.1: 2 of 1,613,560 alleles (0.00012%); highest among the groups gnomAD compares: Non-Finnish European, 0.00017%; no homozygotes.

Submission:

Labcorp Genetics (formerly Invitae), Labcorp
Classification: Uncertain significance. Last evaluated: 2024-02-25. Review status: criteria provided, single submitter. Criteria: Invitae Variant Classification Sherloc (09022015). Collection method: clinical testing. Allele origin: germline.
Comment: This sequence change replaces valine, which is neutral and non-polar, with glutamic acid, which is acidic and polar, at codon 326 of the PAX1 protein (p.Val326Glu). This variant is not present in population databases (gnomAD no frequency). This variant has not been reported in the literature in individuals affected with PAX1-related conditions. Advanced modeling of protein sequence and biophysical properties (such as structural, functional, and spatial information, amino acid conservation, physicochemical variation, residue mobility, and thermodynamic stability) performed at Invitae indicates that this missense variant is not expected to disrupt PAX1 protein function with a negative predictive value of 80%. In summary, the available evidence is currently insufficient to determine the role of this variant in disease. Therefore, it has been classified as a Variant of Uncertain Significance.

NM_001257096.2(PAX1):c.977T>A (p.Val326Glu)

Gene: PAX1 (paired box 1; plus strand). Cytogenetic location: 20p11.22.
Variant type: single nucleotide variant.
Coding change: c.977T>A on transcript NM_001257096.2 (MANE Select); coding-DNA position 977, T replaced by A.
Protein change: p.Val326Glu; replaces valine 326 with glutamic acid.
Molecular consequence: missense variant.
Genome position (GRCh38, 1-based): chr20:21,708,618, T>A. VCF-style: chr20-21708618-T-A. GRCh37 (hg19) VCF-style: chr20-21689256-T-A.
Other names: c.977T>A, p.Val326Glu (NM_006192.5); short protein forms V326E.
Identifiers: ClinVar variation 3643317 (VCV003643317.2).
Genomic context (GRCh38, chr20:21,708,618, plus strand): 5'-GGGCCCTGGCTGGGAGCGAAGGCACCGCTTACTCTCCCAAGATGGAAGACTGGGCCGGCG[T>A]GAACCGCACGGCCTTCCCCGCCACCCCCGCAGTGAATGGGCTAGAGAAACCTGCCTTAGA-3'
Protein context (NP_001244025.1, residues 316-336): YSPKMEDWAG[Val326Glu]NRTAFPATPA